The following is an entry in ClinVar:

ClinVar aggregate classification (germline): Uncertain significance. Review status: criteria provided, multiple submitters, no conflicts (2 of 4 stars). 4 submissions from 4 submitters: Uncertain significance (3). 1 of the submissions does not count toward it. Last evaluated 2025-06-23.

Conditions:
COL11A1-related disorder. Also called: COL11A1-related condition; COL11A1-related disorders.

Allele frequency attached by ClinVar (database versions not stated): gnomAD exomes 0.00003 and 0.00005; ExAC 0.00010.
gnomAD v4.1: 39 of 1,612,970 alleles (0.0024%); highest among the groups gnomAD compares: Non-Finnish European, 0.0031%; no homozygotes.

Submissions (4):

Labcorp Genetics (formerly Invitae), Labcorp
Classification: Uncertain significance. Last evaluated: 2025-06-23. Review status: criteria provided, single submitter. Criteria: Invitae Variant Classification Sherloc (09022015). Collection method: clinical testing. Allele origin: germline.
Comment: This sequence change replaces glycine, which is neutral and non-polar, with serine, which is neutral and polar, at codon 1393 of the COL11A1 protein (p.Gly1393Ser). This variant is present in population databases (rs767950147, gnomAD 0.01%). This variant has not been reported in the literature in individuals affected with COL11A1-related conditions. ClinVar contains an entry for this variant (Variation ID: 1202433). Invitae Evidence Modeling of protein sequence and biophysical properties (such as structural, functional, and spatial information, amino acid conservation, physicochemical variation, residue mobility, and thermodynamic stability) indicates that this missense variant is expected to disrupt COL11A1 protein function with a positive predictive value of 80%. In summary, the available evidence is currently insufficient to determine the role of this variant in disease. Therefore, it has been classified as a Variant of Uncertain Significance.

Blueprint Genetics
Classification: Uncertain significance. Last evaluated: 2023-11-07. Review status: criteria provided, single submitter. Criteria: ACMG Guidelines, 2015. Collection method: clinical testing. Allele origin: germline.

GeneDx
Classification: Uncertain significance. Last evaluated: 2020-08-17. Review status: criteria provided, single submitter. Criteria: GeneDx Variant Classification Process June 2021. Collection method: clinical testing. Allele origin: germline. Affected: yes.
Comment: Has not been previously published as pathogenic or benign to our knowledge; In silico analysis supports that this missense variant has a deleterious effect on protein structure/function; Affects a glycine residue in a Gly-X-Y motif in the triple helical region, where the majority of pathogenic missense variants occur (Stenson et al., 2014; Acke et al., 2014); This variant is associated with the following publications: (PMID: 31106028)

PreventionGenetics, part of Exact Sciences
Classification: Uncertain significance for COL11A1-related condition. Last evaluated: 2024-08-19. Review status: no assertion criteria provided. Collection method: clinical testing. Allele origin: germline. Not counted in ClinVar's aggregate classification.
Comment: The COL11A1 c.4177G>A variant is predicted to result in the amino acid substitution p.Gly1393Ser. This variant has been reported as a variant of uncertain significance in an individual with potential familial exudative vitreoretinopathy (Table S2, Wang et al. 2019. PubMed ID: 31106028). This variant affects a Gly residue of the conserved Gly-Xaa-Yaa triple helical domain (amino acid residues 529-1542), where substitutions of glycine are usually pathogenic (Richards et al. 2010. PubMed ID: 20513134). However, this variant is reported in 0.0097% of alleles in individuals of European (Non-Finnish) descent in gnomAD and multiple independent submitters to ClinVar classify this variant as uncertain. At this time, the clinical significance of this variant is uncertain due to the absence of conclusive functional and genetic evidence.

NM_001854.4(COL11A1):c.4177G>A (p.Gly1393Ser)

Gene: COL11A1 (collagen type XI alpha 1 chain; minus strand). Cytogenetic location: 1p21.1.
Variant type: single nucleotide variant.
Coding change: c.4177G>A on transcript NM_001854.4 (MANE Select); coding-DNA position 4177, G replaced by A.
Protein change: p.Gly1393Ser; replaces glycine 1393 with serine.
Molecular consequence: missense variant. On other transcripts: non-coding transcript variant (1).
Genome position (GRCh38, 1-based): chr1:102,898,737, C>T on the plus strand (G>A on the coding strand, the complement: COL11A1 is on the minus strand). VCF-style: chr1-102898737-C-T. GRCh37 (hg19) VCF-style: chr1-103364293-C-T.
Other names: c.4060G>A, p.Gly1354Ser (NM_001190709.2); c.4213G>A, p.Gly1405Ser (NM_080629.3); c.3829G>A, p.Gly1277Ser (NM_080630.4); short protein forms G1277S, G1354S, G1393S, G1405S.
Identifiers: ClinVar variation 1202433 (VCV001202433.12), dbSNP rs767950147, ClinGen allele CA973640.